The following is an entry in ClinVar:

ClinVar aggregate classification (germline): Conflicting classifications of pathogenicity. Review status: criteria provided, conflicting classifications (1 of 4 stars). 5 submissions from 5 submitters: Uncertain significance (1); Benign (1); Likely benign (2). 1 of the submissions does not count toward it. Last evaluated 2026-01-23.

Conditions:
Disorders of Intracellular Cobalamin Metabolism. Identifiers: MedGen CN043592.
Methylcobalamin deficiency type cblE (HMAE). Also called: VITAMIN B12-RESPONSIVE HOMOCYSTINURIA, cblE TYPE; HOMOCYSTINURIA-MEGALOBLASTIC ANEMIA, cblE TYPE; HOMOCYSTINURIA-MEGALOBLASTIC ANEMIA, cblE COMPLEMENTATION TYPE. Identifiers: Orphanet 2169, Orphanet 622, MedGen C1856057, MONDO:0009354, OMIM 236270.

Allele frequency attached by ClinVar (database versions not stated): TOPMed 0.00019; gnomAD exomes 0.00020 and 0.00038; ExAC 0.00031; ESP Exome Variant Server 0.00031; gnomAD 0.00045 and 0.00046.

Submissions (5):

Labcorp Genetics (formerly Invitae), Labcorp
Classification: Benign for Methylcobalamin deficiency type cblE. Last evaluated: 2026-01-23. Review status: criteria provided, single submitter. Criteria: Invitae Variant Classification Sherloc (09022015). Collection method: clinical testing. Allele origin: germline.

Blueprint Genetics
Classification: Likely benign. Last evaluated: 2024-10-18. Review status: criteria provided, single submitter. Criteria: ACMG Guidelines, 2015. Collection method: clinical testing. Allele origin: germline.

Illumina Laboratory Services, Illumina
Classification: Uncertain significance for Disorders of Intracellular Cobalamin Metabolism. Last evaluated: 2018-01-13. Review status: criteria provided, single submitter. Criteria: ICSL Variant Classification Criteria 13 December 2019. Collection method: clinical testing. Allele origin: germline.

GeneDx
Classification: Likely benign. Last evaluated: 2016-04-12. Review status: criteria provided, single submitter. Criteria: GeneDx Variant Classification (06012015). Collection method: clinical testing. Allele origin: germline. Affected: yes.
Comment: This variant is considered likely benign or benign based on one or more of the following criteria: it is a conservative change, it occurs at a poorly conserved position in the protein, it is predicted to be benign by multiple in silico algorithms, and/or has population frequency not consistent with disease.

Natera, Inc.
Classification: Benign for CblE complementation type homocystinuria-megaloblastic anemia due to defect in cobalamin metabolism. Last evaluated: 2020-01-09. Review status: no assertion criteria provided. Collection method: clinical testing. Allele origin: germline. Not counted in ClinVar's aggregate classification.

NM_002454.3(MTRR):c.540G>A (p.Val180=)

Gene: MTRR (5-methyltetrahydrofolate-homocysteine methyltransferase reductase; plus strand). Cytogenetic location: 5p15.31.
Variant type: single nucleotide variant.
Coding change: c.540G>A on transcript NM_002454.3 (MANE Select); coding-DNA position 540, G replaced by A.
Protein change: p.Val180=; no amino-acid change (valine 180 retained).
Molecular consequence: synonymous variant. On other transcripts: non-coding transcript variant (14).
Genome position (GRCh38, 1-based): chr5:7,878,082, G>A. VCF-style: chr5-7878082-G-A. GRCh37 (hg19) VCF-style: chr5-7878195-G-A.
Other names: c.540G>A, p.Val180= (NM_001364440.2, NM_001364441.2, NM_001364442.2 and 1 more transcripts).
Identifiers: ClinVar variation 354353 (VCV000354353.20), dbSNP rs149037732, ClinGen allele CA3195630.